The following is an entry in ClinVar:

ClinVar aggregate classification (germline): Conflicting classifications of pathogenicity. Review status: criteria provided, conflicting classifications (1 of 4 stars). 2 submissions from 2 submitters: Uncertain significance (1); Likely benign (1). Last evaluated 2023-11-02.

Submissions (2):

Revvity Omics, Revvity
Classification: Uncertain significance. Last evaluated: 2023-11-02. Review status: criteria provided, single submitter. Criteria: ACMG Guidelines, 2015. Collection method: clinical testing. Allele origin: germline.

GeneDx
Classification: Likely benign. Last evaluated: 2023-09-26. Review status: criteria provided, single submitter. Criteria: GeneDx Variant Classification Process June 2021. Collection method: clinical testing. Allele origin: germline. Affected: yes.
Comment: See Variant Classification Assertion Criteria.

NM_001267550.2(TTN):c.77185_77187delinsTAT (p.Lys25729Tyr)

Genes: TTN (titin; minus strand), TTN-AS1 (TTN antisense RNA 1; plus strand). Cytogenetic location: 2q31.2.
Variant type: Indel.
Coding change: c.77185_77187delinsTAT on transcript NM_001267550.2 (MANE Select); coding-DNA positions 77185 to 77187, AAA replaced by TAT.
Protein change: p.Lys25729Tyr; replaces lysine 25729 with tyrosine.
Molecular consequence: missense variant.
Genome position (GRCh38, 1-based): chr2:178,568,945-178,568,947, TTT replaced by ATA on the plus strand (AAA replaced by TAT on the coding strand, the reverse complement: TTN is on the minus strand). VCF-style: chr2-178568945-TTT-ATA. GRCh37 (hg19) VCF-style: chr2-179433672-TTT-ATA.
Other names: c.72262_72264delinsTAT, p.Lys24088Tyr (NM_001256850.1); c.49990_49992delinsTAT, p.Lys16664Tyr (NM_003319.4); c.69481_69483delinsTAT, p.Lys23161Tyr (NM_133378.4); c.50365_50367delinsTAT, p.Lys16789Tyr (NM_133432.3); c.50566_50568delinsTAT, p.Lys16856Tyr (NM_133437.4); short protein forms K16664Y, K16789Y, K16856Y, K23161Y, K24088Y, K25729Y.
Identifiers: ClinVar variation 1339631 (VCV001339631.5), dbSNP rs2154167395, ClinGen allele CA2573051775.